The following is an entry in ClinVar:

ClinVar aggregate classification (germline): Likely benign. Review status: criteria provided, multiple submitters, no conflicts (2 of 4 stars). 6 submissions from 6 submitters: Likely benign (6). Last evaluated 2026-07-21.

Conditions:
WFS1-related disorder. Identifiers: MedGen CN379391, MONDO:0700293.
Wolfram-like syndrome. Also called: HEARING LOSS, PROGRESSIVE, WITH OPTIC ATROPHY AND/OR IMPAIRED GLUCOSE REGULATION. Identifiers: Orphanet 411590, MedGen C3280358, MONDO:0013673, OMIM 614296.
Wolfram syndrome 1 (WFS1). Identifiers: Orphanet 3463, MedGen C4551693, MONDO:0009101, OMIM 222300.
Cataract 41 (CTRCT41). Also called: CATARACT 41, CONGENITAL NUCLEAR TYPE. Identifiers: Orphanet 91492, Orphanet 98991, Orphanet 98992, Orphanet 98995, MedGen C3805412, MONDO:0007287, OMIM 116400.
Autosomal dominant nonsyndromic hearing loss 6 (LFSNHL). Also called: Autosomal dominant nonsyndromic deafness 6; DEAFNESS, AUTOSOMAL DOMINANT 6; DEAFNESS, AUTOSOMAL DOMINANT 14; DEAFNESS, AUTOSOMAL DOMINANT 38. Identifiers: Orphanet 90635, MedGen C1833021, MONDO:0010963, OMIM 600965.
Type 2 diabetes mellitus. Also called: Type II diabetes mellitus. Identifiers: MedGen C0011860, MeSH D003924, MONDO:0005148, OMIM 125853, HP:0005978.

Allele frequency attached by ClinVar (database versions not stated): gnomAD exomes 0.00002; gnomAD 0.00009; TOPMed 0.00017; ExAC 0.00001.
gnomAD v4.1: 24 of 1,613,482 alleles (0.0015%); highest among the groups gnomAD compares: Admixed American, 0.033%; no homozygotes.

Submissions (6):

PreventionGenetics, part of Exact Sciences
Classification: Likely benign for WFS1-related condition. Last evaluated: 2026-07-21. Review status: criteria provided, single submitter. Criteria: ACMG Guidelines, 2015. Collection method: clinical testing. Allele origin: germline.
Comment: This variant is classified as likely benign based on ACMG/AMP sequence variant interpretation guidelines (Richards et al. 2015 PMID: 25741868, with internal and published modifications).

Labcorp Genetics (formerly Invitae), Labcorp
Classification: Likely benign. Last evaluated: 2023-12-01. Review status: criteria provided, single submitter. Criteria: Invitae Variant Classification Sherloc (09022015). Collection method: clinical testing. Allele origin: germline.

Blueprint Genetics
Classification: Likely benign. Last evaluated: 2023-09-20. Review status: criteria provided, single submitter. Criteria: ACMG Guidelines, 2015. Collection method: clinical testing. Allele origin: germline.

Fulgent Genetics
Classification: Likely benign for Cataract 41; Type 2 diabetes mellitus; Wolfram syndrome 1; Autosomal dominant nonsyndromic hearing loss 6; Wolfram-like syndrome. Last evaluated: 2021-12-29. Review status: criteria provided, single submitter. Criteria: ACMG Guidelines, 2015. Collection method: clinical testing. Allele origin: unknown.

GeneDx
Classification: Likely benign. Last evaluated: 2021-03-15. Review status: criteria provided, single submitter. Criteria: GeneDx Variant Classification Process June 2021. Collection method: clinical testing. Allele origin: germline. Affected: yes.

Clinical Genomics, Uppaluri K&H Personalized Medicine Clinic
Classification: Likely benign for Wolfram syndrome 1. Review status: criteria provided, single submitter. Criteria: K & H Uppaluri Personalized Medicine Clinic Variant Classification & Assertion Criteria_Updated V.1. Collection method: research. Allele origin: unknown. Inheritance: Autosomal recessive inheritance.
Comment: Potent mutations in WFS1 gene are associated with Wolfram's syndrome, an autosomal recessive condition, which cause diabetes mellitus, diabetes insipidus, deafness and optic atrophy.However no sufficient evidence is found to ascertain the role of this particular variant rs752638064 in Wolfram's syndrome yet.

Literature cited by the submitters: PubMed 20738327 (cited by Clinical Genomics, Uppaluri K&H Personalized Medicine Clinic); PubMed 33879153 (cited by Clinical Genomics, Uppaluri K&H Personalized Medicine Clinic); PubMed 12955714 (cited by Clinical Genomics, Uppaluri K&H Personalized Medicine Clinic); PubMed 18060660 (cited by Clinical Genomics, Uppaluri K&H Personalized Medicine Clinic); PubMed 20301750 (cited by Clinical Genomics, Uppaluri K&H Personalized Medicine Clinic); PubMed 17603484 (cited by Clinical Genomics, Uppaluri K&H Personalized Medicine Clinic).

NM_006005.3(WFS1):c.747G>A (p.Glu249=)

Gene: WFS1 (wolframin ER transmembrane glycoprotein; plus strand). Cytogenetic location: 4p16.1.
Variant type: single nucleotide variant.
Coding change: c.747G>A on transcript NM_006005.3 (MANE Select); coding-DNA position 747, G replaced by A.
Protein change: p.Glu249=; no amino-acid change (glutamic acid 249 retained).
Molecular consequence: synonymous variant.
Genome position (GRCh38, 1-based): chr4:6,295,075, G>A. VCF-style: chr4-6295075-G-A. GRCh37 (hg19) VCF-style: chr4-6296802-G-A.
Other names: c.747G>A, p.Glu249= (NM_001145853.1).
Identifiers: ClinVar variation 738569 (VCV000738569.15), dbSNP rs752638064, ClinGen allele CA2839044.
Genomic context (GRCh38, chr4:6,295,075, plus strand): 5'-CCATGCTGTTTTCTCTCATGCTTCAGCCAAGAACTACATCGCGCTGGATGACTTTGTGGA[G>A]ATCACTAAGAAGTACGCCAAGGGCGTCATCCCCAGCAGCCTGTTCCTGCAGGACGACGAA-3'
Protein context (NP_005996.2, residues 239-259): KNYIALDDFV[Glu249=]ITKKYAKGVI